The following is an entry in ClinVar:

ClinVar aggregate classification (germline): Uncertain significance (1 of 4 stars; one submission).

Submission:

GeneDx
Classification: Uncertain significance. Last evaluated: 2025-03-18. Review status: criteria provided, single submitter. Criteria: GeneDx Variant Classification Process June 2021. Collection method: clinical testing. Allele origin: germline. Affected: yes.
Comment: Not observed at significant frequency in large population cohorts (gnomAD); In silico analysis supports that this missense variant has a deleterious effect on protein structure/function; Has not been previously published as pathogenic or benign to our knowledge

NM_001130438.3(SPTAN1):c.2600A>T (p.Glu867Val)

Gene: SPTAN1 (spectrin alpha, non-erythrocytic 1; plus strand). Cytogenetic location: 9q34.11.
Variant type: single nucleotide variant.
Coding change: c.2600A>T on transcript NM_001130438.3 (MANE Select); coding-DNA position 2600, A replaced by T.
Protein change: p.Glu867Val; replaces glutamic acid 867 with valine.
Molecular consequence: missense variant.
Genome position (GRCh38, 1-based): chr9:128,585,787, A>T. VCF-style: chr9-128585787-A-T. GRCh37 (hg19) VCF-style: chr9-131348066-A-T.
Other names: c.2600A>T, p.Glu867Val (NM_001195532.2, NM_001363759.2, NM_001363765.2 and 10 more transcripts); c.2636A>T, p.Glu879Val (NM_001375312.2, NM_001375318.1, NM_001438440.1); short protein forms E867V, E879V.
Identifiers: ClinVar variation 4086584 (VCV004086584.1).
Genomic context (GRCh38, chr9:128,585,787, plus strand): 5'-CTTTCCCTACCCATCTTCCAGGCCATTTTGCTGCAGAGGATGTGAAGGCCAAGCTTCACG[A>T]GCTGAACCAAAAGTGGGAGGCACTGAAAGCCAAAGCTTCCCAGCGTCGGCAGGACCTGGA-3'
Protein context (NP_001123910.1, residues 857-877): AAEDVKAKLH[Glu867Val]LNQKWEALKA